The following is an entry in ClinVar:

NM_000414.4(HSD17B4):c.672G>A (p.Trp224Ter)

Gene: HSD17B4 (hydroxysteroid 17-beta dehydrogenase 4; plus strand). Cytogenetic location: 5q23.1.
Variant type: single nucleotide variant.
Coding change: c.672G>A on transcript NM_000414.4 (MANE Select); coding-DNA position 672, G replaced by A.
Protein change: p.Trp224Ter; replaces tryptophan 224 with a stop codon.
Molecular consequence: nonsense. On other transcripts: non-coding transcript variant (2).
Genome position (GRCh38, 1-based): chr5:119,489,241, G>A. VCF-style: chr5-119489241-G-A. GRCh37 (hg19) VCF-style: chr5-118824936-G-A.
Other names: c.747G>A, p.Trp249Ter (NM_001199291.3); c.618G>A, p.Trp206Ter (NM_001199292.2); c.600G>A, p.Trp200Ter (NM_001292027.2); c.252G>A, p.Trp84Ter (NM_001292028.2); c.663G>A, p.Trp221Ter (NM_001374497.1); c.672G>A, p.Trp224Ter (NM_001374498.1); c.345G>A, p.Trp115Ter (NM_001374499.1); c.231G>A, p.Trp77Ter (NM_001374500.1); and 1 more; short protein forms W115*, W224*, W77*, W87*, W249*, W200*, W206*, W221*.
Identifiers: ClinVar variation 5006817 (VCV005006817.2).

ClinVar aggregate classification (germline): Likely pathogenic (1 of 4 stars; one submission).

Conditions:
Perrault syndrome 1 (PRLTS1). Also called: GONADAL DYSGENESIS, XX TYPE, WITH DEAFNESS; OVARIAN DYSGENESIS WITH SENSORINEURAL DEAFNESS. Identifiers: Orphanet 2855, Orphanet 642945, MedGen C4551721, MONDO:0009300, OMIM 233400.
Bifunctional peroxisomal enzyme deficiency (DBIF). Also called: DBP DEFICIENCY; PBFE DEFICIENCY; D-bifunctional protein deficiency. Identifiers: Orphanet 300, MedGen C0342870, MONDO:0009855, OMIM 261515. Disease mechanism: loss of function.

gnomAD v4.1: 2 of 1,612,760 alleles (0.00012%); highest among the groups gnomAD compares: Non-Finnish European, 0.00017%; no homozygotes.

Submission:

Juno Genomics, Hangzhou Juno Genomics, Inc
Classification: Likely pathogenic for Bifunctional peroxisomal enzyme deficiency; Perrault syndrome 1. Review status: criteria provided, single submitter. Criteria: ACMG Guidelines, 2015. Collection method: clinical testing. Allele origin: germline.
Comment: Null variant in a gene where loss of function (LOF) is a known mechanism of disease.;Absent from controls (or at extremely low frequency if recessive) in Genome Aggregation Database.